The following is an entry in ClinVar:

NM_000238.4(KCNH2):c.17G>A (p.Gly6Asp)

Gene: KCNH2 (potassium voltage-gated channel subfamily H member 2; minus strand). Cytogenetic location: 7q36.1.
Variant type: single nucleotide variant.
Coding change: c.17G>A on transcript NM_000238.4 (MANE Select); coding-DNA position 17, G replaced by A.
Protein change: p.Gly6Asp; replaces glycine 6 with aspartic acid.
Molecular consequence: missense variant. On other transcripts: non-coding transcript variant (1).
Genome position (GRCh38, 1-based): chr7:150,977,897, C>T on the plus strand (G>A on the coding strand, the complement: KCNH2 is on the minus strand). VCF-style: chr7-150977897-C-T. GRCh37 (hg19) VCF-style: chr7-150674985-C-T.
Other names: c.17G>A, p.Gly6Asp (NM_172056.3); short protein forms G6D.
Identifiers: ClinVar variation 3071732 (VCV003071732.1), dbSNP rs2486167474, ClinGen allele CA369866762.

ClinVar aggregate classification (germline): Uncertain significance (1 of 4 stars; one submission).

Conditions:
Long QT syndrome (LQTS). Identifiers: MedGen C0023976, MeSH D008133, MONDO:0002442. Disease mechanism: loss of function. Inheritance: Various modes of inheritance.

Allele frequency attached by ClinVar (database versions not stated): gnomAD exomes below 0.00001.
gnomAD v4.1: 1 of 1,574,166 alleles (0.000064%); no homozygotes.

Submission:

All of Us Research Program, National Institutes of Health
Classification: Uncertain significance for Long QT syndrome. Last evaluated: 2023-06-28. Review status: criteria provided, single submitter. Criteria: ACMG Guidelines, 2015. Collection method: clinical testing. Allele origin: germline. Inheritance: Autosomal dominant inheritance. Observed: 1 variant allele, 1 heterozygote.
Comment: This study involves interpretation of variants in research participants for the purpose of population health screening. Participant phenotype was not available at the time of variant classification. Additional details can be found in publication PMID: 35346344, PMCID: PMC8962531